The following is an entry in ClinVar:

NM_001267550.2(TTN):c.23223G>A (p.Gln7741=)

Gene: TTN (titin; minus strand). Cytogenetic location: 2q31.2.
Variant type: single nucleotide variant.
Coding change: c.23223G>A on transcript NM_001267550.2 (MANE Select); coding-DNA position 23223, G replaced by A.
Protein change: p.Gln7741=; no amino-acid change (glutamine 7741 retained).
Molecular consequence: synonymous variant. On other transcripts: intron variant (3).
Genome position (GRCh38, 1-based): chr2:178,720,539, C>T on the plus strand (G>A on the coding strand, the complement: TTN is on the minus strand). VCF-style: chr2-178720539-C-T. GRCh37 (hg19) VCF-style: chr2-179585266-C-T.
Other names: p.Q6497Q:CAG>CAA; p.Gln6497=; c.13657+17543G>A (NM_133432.3); c.22272G>A, p.Gln7424= (NM_001256850.1); c.19491G>A, p.Gln6497= (NM_133378.4); c.13282+17543G>A (NM_003319.4); c.13858+17543G>A (NM_133437.4).
Identifiers: ClinVar variation 46714 (VCV000046714.40), dbSNP rs2562831, ClinGen allele CA282857.
Genomic context (GRCh38, chr2:178,720,539, plus strand): 5'-GATATGAAGACTTGTATCAAAATGTTTTGAAGTGATTTTAAATTTCTTGCTGTTTCTAAC[C>T]TGCTTTCGATCTTTAACCCATACTACTTCAAATGGGGGAGTTCCCGAAATTTCACATTGG-3'
Protein context (NP_001254479.2, residues 7731-7751): FEVVWVKDRK[Gln7741=]VRNSKKFKIT

ClinVar aggregate classification (germline): Benign. Review status: criteria provided, multiple submitters, no conflicts (2 of 4 stars). 25 submissions from 18 submitters: Benign (22). 3 of the submissions do not count toward it. Last evaluated 2026-02-04.

Conditions:
Dilated cardiomyopathy 1G (CMD1G). Identifiers: Orphanet 154, MedGen C1858763, MONDO:0011400, OMIM 604145.
Autosomal recessive limb-girdle muscular dystrophy type 2J (LGMDR10). Also called: MUSCULAR DYSTROPHY, LIMB-GIRDLE, AUTOSOMAL RECESSIVE 10; Limb-girdle muscular dystrophy, type 2J. Identifiers: Orphanet 140922, MedGen C1837342, MONDO:0012127, OMIM 608807.
Cardiovascular phenotype. Identifiers: MedGen CN230736.
Early-onset myopathy with fatal cardiomyopathy (CMYO5). Also called: CONGENITAL MYOPATHY 5 WITH CARDIOMYOPATHY; Salih Myopathy. Identifiers: Orphanet 289377, MedGen C2673677, MONDO:0012714, OMIM 611705. Disease mechanism: loss of function.
Myopathy, myofibrillar, 9, with early respiratory failure (MFM9). Also called: Myopathy, distal, with early respiratory failure, autosomal dominant; Hereditary myopathy with early respiratory failure; MYOPATHY, PROXIMAL, WITH EARLY RESPIRATORY MUSCLE INVOLVEMENT; EDSTROM MYOPATHY. Identifiers: Orphanet 178464, Orphanet 34521, MedGen C1863599, MONDO:0011362, OMIM 603689.
Tibial muscular dystrophy (TMD). Also called: Udd Distal Myopathy – Tibial Muscular Dystrophy; Tibial muscular dystrophy, tardive; UDD MYOPATHY. Identifiers: Orphanet 609, MedGen C1838244, MONDO:0010870, OMIM 600334.

Allele frequency attached by ClinVar (database versions not stated): gnomAD exomes 0.99576 and 0.99830; TOPMed 0.98145; ESP Exome Variant Server 0.98141; 1000 Genomes Project 0.98203; gnomAD 0.98238 and 0.98359; ExAC 0.99496; 1000 Genomes Project 30x 0.98048.
gnomAD v4.1: 1,608,456 of 1,613,548 alleles (100%); highest among the groups gnomAD compares: East Asian, 100%; 801,823 homozygotes.

Submissions (25):

Labcorp Genetics (formerly Invitae), Labcorp
Classification: Benign for Dilated cardiomyopathy 1G; Autosomal recessive limb-girdle muscular dystrophy type 2J. Last evaluated: 2026-02-04. Review status: criteria provided, single submitter. Criteria: Invitae Variant Classification Sherloc (09022015). Collection method: clinical testing. Allele origin: germline.

Molecular Diagnostic Laboratory for Inherited Cardiovascular Disease, Montreal Heart Institute
Classification: Benign. Last evaluated: 2025-04-09. Review status: criteria provided, single submitter. Criteria: ACMG Guidelines, 2015. Collection method: clinical testing. Allele origin: germline. Affected: no.

Blueprint Genetics
Classification: Benign. Last evaluated: 2024-11-26. Review status: criteria provided, single submitter. Criteria: ACMG Guidelines, 2015. Collection method: clinical testing. Allele origin: germline.

Genome-Nilou Lab
Classification: Benign for Autosomal recessive limb-girdle muscular dystrophy type 2J. Last evaluated: 2021-09-10. Review status: criteria provided, single submitter. Criteria: ACMG Guidelines, 2015. Collection method: clinical testing. Allele origin: germline. Affected: no.

Genome-Nilou Lab
Classification: Benign for Myopathy, myofibrillar, 9, with early respiratory failure. Last evaluated: 2021-09-10. Review status: criteria provided, single submitter. Criteria: ACMG Guidelines, 2015. Collection method: clinical testing. Allele origin: germline. Affected: no.

Genome-Nilou Lab
Classification: Benign for Early-onset myopathy with fatal cardiomyopathy. Last evaluated: 2021-09-10. Review status: criteria provided, single submitter. Criteria: ACMG Guidelines, 2015. Collection method: clinical testing. Allele origin: germline. Affected: no.

Genome-Nilou Lab
Classification: Benign for Tibial muscular dystrophy. Last evaluated: 2021-09-10. Review status: criteria provided, single submitter. Criteria: ACMG Guidelines, 2015. Collection method: clinical testing. Allele origin: germline. Affected: no.

Women's Health and Genetics/Laboratory Corporation of America, LabCorp
Classification: Benign. Last evaluated: 2019-08-09. Review status: criteria provided, single submitter. Criteria: LabCorp Variant Classification Summary - May 2015. Collection method: clinical testing. Allele origin: germline.

Athena Diagnostics
Classification: Benign. Last evaluated: 2019-01-15. Review status: criteria provided, single submitter. Criteria: Athena Diagnostics Criteria. Collection method: clinical testing. Allele origin: germline.

Illumina Laboratory Services, Illumina
Classification: Benign for Early-onset myopathy with fatal cardiomyopathy. Last evaluated: 2018-01-13. Review status: criteria provided, single submitter. Criteria: ICSL Variant Classification Criteria 13 December 2019. Collection method: clinical testing. Allele origin: germline.
Comment: This variant was observed in the ICSL laboratory as part of a predisposition screen in an ostensibly healthy population. It had not been previously curated by ICSL or reported in the Human Gene Mutation Database (HGMD: prior to June 1st, 2018), and was therefore a candidate for classification through an automated scoring system. Utilizing variant allele frequency, disease prevalence and penetrance estimates, and inheritance mode, an automated score was calculated to assess if this variant is too frequent to cause the disease. Based on the score and internal cut-off values, a variant classified as benign is not then subjected to further curation. The score for this variant resulted in a classification of benign for this disease.

Illumina Laboratory Services, Illumina
Classification: Benign for Tibial muscular dystrophy. Last evaluated: 2018-01-13. Review status: criteria provided, single submitter. Criteria: ICSL Variant Classification Criteria 13 December 2019. Collection method: clinical testing. Allele origin: germline.
Comment: the same text as in the submission from Illumina Laboratory Services, Illumina above.

Illumina Laboratory Services, Illumina
Classification: Benign for Dilated cardiomyopathy 1G. Last evaluated: 2018-01-13. Review status: criteria provided, single submitter. Criteria: ICSL Variant Classification Criteria 13 December 2019. Collection method: clinical testing. Allele origin: germline.
Comment: the same text as in the submission from Illumina Laboratory Services, Illumina above.

Illumina Laboratory Services, Illumina
Classification: Benign for Autosomal recessive limb-girdle muscular dystrophy type 2J. Last evaluated: 2018-01-13. Review status: criteria provided, single submitter. Criteria: ICSL Variant Classification Criteria 13 December 2019. Collection method: clinical testing. Allele origin: germline.
Comment: the same text as in the submission from Illumina Laboratory Services, Illumina above.

Illumina Laboratory Services, Illumina
Classification: Benign for Myopathy, myofibrillar, 9, with early respiratory failure. Last evaluated: 2018-01-13. Review status: criteria provided, single submitter. Criteria: ICSL Variant Classification Criteria 13 December 2019. Collection method: clinical testing. Allele origin: germline.
Comment: the same text as in the submission from Illumina Laboratory Services, Illumina above.

Mayo Clinic Laboratories, Mayo Clinic
Classification: Benign. Last evaluated: 2017-07-21. Review status: criteria provided, single submitter. Criteria: ACMG Guidelines, 2015. Collection method: clinical testing. Allele origin: germline. Observed: 2,438 variant alleles.

Eurofins Ntd Llc (ga)
Classification: Benign. Last evaluated: 2014-11-24. Review status: criteria provided, single submitter. Criteria: EGL Classification Definitions 2015. Collection method: clinical testing. Allele origin: germline. Observed: 31 variant alleles, 2 heterozygotes, 29 homozygotes.

Genetic Services Laboratory, University of Chicago
Classification: Benign for AllHighlyPenetrant. Last evaluated: 2013-08-15. Review status: criteria provided, single submitter. Criteria: ACMG Guidelines, 2007. Collection method: clinical testing. Allele origin: germline.

GeneDx
Classification: Benign. Last evaluated: 2012-11-01. Review status: criteria provided, single submitter. Criteria: GeneDx Variant Classification (06012015). Collection method: clinical testing. Allele origin: germline. Affected: yes.
Comment: This variant is considered likely benign or benign based on one or more of the following criteria: it is a conservative change, it occurs at a poorly conserved position in the protein, it is predicted to be benign by multiple in silico algorithms, and/or has population frequency not consistent with disease.

Ambry Genetics
Classification: Benign for Cardiovascular phenotype. Last evaluated: 2012-08-09. Review status: criteria provided, single submitter. Criteria: Ambry Autosomal Dominant and X-Linked criteria (10/2015). Collection method: clinical testing. Allele origin: germline. Observed: 1 variant allele.

Laboratory for Molecular Medicine, Mass General Brigham Personalized Medicine
Classification: Benign. Last evaluated: 2011-09-16. Review status: criteria provided, single submitter. Criteria: LMM Criteria. Collection method: clinical testing. Allele origin: germline. Observed: 1,913 variant alleles.

Breakthrough Genomics
Classification: Benign. Review status: criteria provided, single submitter. Criteria: ACMG Guidelines, 2015. Collection method: not provided. Allele origin: germline. Inheritance: Autosomal recessive inheritance. Affected: yes.

PreventionGenetics, part of Exact Sciences
Classification: Benign. Review status: criteria provided, single submitter. Criteria: ACMG Guidelines, 2015. Collection method: clinical testing. Allele origin: germline.

Clinical Genetics DNA and cytogenetics Diagnostics Lab, Erasmus MC, Erasmus Medical Center
Classification: Benign. Review status: no assertion criteria provided. Collection method: clinical testing. Allele origin: germline. Affected: yes. Study: VKGL Data-share Consensus. Not counted in ClinVar's aggregate classification.

Clinical Genetics, Academic Medical Center
Classification: Benign. Review status: no assertion criteria provided. Collection method: clinical testing. Allele origin: germline. Affected: yes. Study: VKGL Data-share Consensus. Not counted in ClinVar's aggregate classification.

Diagnostic Laboratory, Department of Genetics, University Medical Center Groningen
Classification: Benign. Review status: no assertion criteria provided. Collection method: clinical testing. Allele origin: germline. Affected: yes. Study: VKGL Data-share Consensus. Not counted in ClinVar's aggregate classification.